The following is an entry in ClinVar:

NM_000245.4(MET):c.2474G>A (p.Gly825Glu)

Gene: MET (MET proto-oncogene, receptor tyrosine kinase; plus strand). Cytogenetic location: 7q31.2.
Variant type: single nucleotide variant.
Coding change: c.2474G>A on transcript NM_000245.4 (MANE Select); coding-DNA position 2474, G replaced by A.
Protein change: p.Gly825Glu; replaces glycine 825 with glutamic acid.
Molecular consequence: missense variant.
Genome position (GRCh38, 1-based): chr7:116,763,159, G>A. VCF-style: chr7-116763159-G-A. GRCh37 (hg19) VCF-style: chr7-116403213-G-A.
Other names: c.2528G>A, p.Gly843Glu (NM_001127500.3); c.2474G>A, p.Gly825Glu (NM_001324401.3); c.1184G>A, p.Gly395Glu (NM_001324402.2); short protein forms G825E, G395E, G843E.
Identifiers: ClinVar variation 1476600 (VCV001476600.6), dbSNP rs1307584609, ClinGen allele CA368983338.

ClinVar aggregate classification (germline): Uncertain significance (1 of 4 stars; one submission).

Conditions:
Renal cell carcinoma. Identifiers: Orphanet 217071, MedGen C0007134, MeSH D002292, MONDO:0005086, HP:0005584.

Allele frequency attached by ClinVar (database versions not stated): gnomAD exomes below 0.00001.
gnomAD v4.1: 1 of 1,613,874 alleles (0.000062%); highest among the groups gnomAD compares: Non-Finnish European, 0.000085%; no homozygotes.

Submission:

Labcorp Genetics (formerly Invitae), Labcorp
Classification: Uncertain significance for Renal cell carcinoma. Last evaluated: 2021-09-20. Review status: criteria provided, single submitter. Criteria: Invitae Variant Classification Sherloc (09022015). Collection method: clinical testing. Allele origin: germline.
Comment: In summary, the available evidence is currently insufficient to determine the role of this variant in disease. Therefore, it has been classified as a Variant of Uncertain Significance. Algorithms developed to predict the effect of missense changes on protein structure and function are either unavailable or do not agree on the potential impact of this missense change (SIFT: "Deleterious"; PolyPhen-2: "Probably Damaging"; Align-GVGD: "Class C0"). This variant has not been reported in the literature in individuals affected with MET-related conditions. This variant is not present in population databases (ExAC no frequency). This sequence change replaces glycine with glutamic acid at codon 843 of the MET protein (p.Gly843Glu). The glycine residue is highly conserved and there is a moderate physicochemical difference between glycine and glutamic acid.